The following is an entry in ClinVar:

NM_024027.5(COLEC11):c.192G>A (p.Thr64=)

Gene: COLEC11 (collectin subfamily member 11; plus strand). Cytogenetic location: 2p25.3.
Variant type: single nucleotide variant.
Coding change: c.192G>A on transcript NM_024027.5 (MANE Select); coding-DNA position 192, G replaced by A.
Protein change: p.Thr64=; no amino-acid change (threonine 64 retained).
Molecular consequence: synonymous variant. On other transcripts: missense variant (1), non-coding transcript variant (1), intron variant (4).
Genome position (GRCh38, 1-based): chr2:3,613,372, G>A. VCF-style: chr2-3613372-G-A. GRCh37 (hg19) VCF-style: chr2-3660962-G-A.
Other names: c.192G>A, p.Thr64= (NM_001255983.2); c.234G>A, p.Thr78= (NM_001255985.1); c.114G>A, p.Thr38= (NM_001255986.1, NM_001255988.1); c.104G>A, p.Arg35Gln (NM_199235.3); c.130+8902G>A (NM_001255982.2, NM_001255984.2); c.52+7129G>A (NM_001255987.1, NM_001255989.1); short protein forms R35Q.
Identifiers: ClinVar variation 3495847 (VCV003495847.2).

ClinVar aggregate classification (germline): Conflicting classifications of pathogenicity. Review status: criteria provided, conflicting classifications (1 of 4 stars). 2 submissions from 2 submitters: Uncertain significance (1); Likely benign (1). Last evaluated 2024-10-19.

Conditions:
3MC syndrome 2. Also called: OCULO-SKELETAL-ABDOMINAL SYNDROME; OSA SYNDROME; PTOSIS OF EYELIDS WITH DIASTASIS RECTI AND HIP DYSPLASIA. Identifiers: Orphanet 293843, MedGen C0796279, MONDO:0009927, OMIM 265050.
Inborn genetic diseases. Identifiers: MedGen C0950123, MeSH D030342.

gnomAD v4.1: 13 of 1,599,492 alleles (0.00081%); highest among the groups gnomAD compares: Admixed American, 0.0017%; no homozygotes.

Submissions (2):

Ambry Genetics
Classification: Likely benign for Inborn genetic diseases. Last evaluated: 2024-10-19. Review status: criteria provided, single submitter. Criteria: Ambry Variant Classification Scheme 2023. Collection method: clinical testing. Allele origin: germline.

Daryl Scott Lab, Baylor College of Medicine
Classification: Uncertain significance for 3MC syndrome 2. Review status: criteria provided, single submitter. Criteria: ACMG Guidelines, 2015. Collection method: clinical testing. Allele origin: biparental. Affected: yes.
Comment: PM2